The following is an entry in ClinVar:

ClinVar aggregate classification (germline): Uncertain significance. Review status: criteria provided, multiple submitters, no conflicts (2 of 4 stars). 2 submissions from 2 submitters: Uncertain significance (2). Last evaluated 2025-12-16.

Conditions:
Inborn genetic diseases. Identifiers: MedGen C0950123, MeSH D030342.

Submissions (2):

Ambry Genetics
Classification: Uncertain significance for Inborn genetic diseases. Last evaluated: 2025-12-16. Review status: criteria provided, single submitter. Criteria: Ambry Variant Classification Scheme 2023. Collection method: clinical testing. Allele origin: germline.

Labcorp Genetics (formerly Invitae), Labcorp
Classification: Uncertain significance. Last evaluated: 2022-04-12. Review status: criteria provided, single submitter. Criteria: Invitae Variant Classification Sherloc (09022015). Collection method: clinical testing. Allele origin: germline.
Comment: This variant is not present in population databases (gnomAD no frequency). This variant has not been reported in the literature in individuals affected with LAMA1-related conditions. This sequence change replaces leucine, which is neutral and non-polar, with phenylalanine, which is neutral and non-polar, at codon 1259 of the LAMA1 protein (p.Leu1259Phe). In summary, the available evidence is currently insufficient to determine the role of this variant in disease. Therefore, it has been classified as a Variant of Uncertain Significance. Algorithms developed to predict the effect of missense changes on protein structure and function (SIFT, PolyPhen-2, Align-GVGD) all suggest that this variant is likely to be tolerated.

NM_005559.4(LAMA1):c.3775C>T (p.Leu1259Phe)

Gene: LAMA1 (laminin subunit alpha 1; minus strand). Cytogenetic location: 18p11.31.
Variant type: single nucleotide variant.
Coding change: c.3775C>T on transcript NM_005559.4 (MANE Select); coding-DNA position 3775, C replaced by T.
Protein change: p.Leu1259Phe; replaces leucine 1259 with phenylalanine.
Molecular consequence: missense variant.
Genome position (GRCh38, 1-based): chr18:7,010,298, G>A on the plus strand (C>T on the coding strand, the complement: LAMA1 is on the minus strand). VCF-style: chr18-7010298-G-A. GRCh37 (hg19) VCF-style: chr18-7010297-G-A.
Other names: c.3775C>T (NM_005559.3); short protein forms L1259F.
Identifiers: ClinVar variation 2125277 (VCV002125277.5), dbSNP rs2510069172, ClinGen allele CA401848332.